The following is an entry in ClinVar:

ClinVar aggregate classification (germline): Uncertain significance. Review status: criteria provided, multiple submitters, no conflicts (2 of 4 stars). 2 submissions from 2 submitters: Uncertain significance (2). Last evaluated 2025-01-01.

Conditions:
Inborn genetic diseases. Identifiers: MedGen C0950123, MeSH D030342.

Allele frequency attached by ClinVar (database versions not stated): TOPMed 0.00008; ESP Exome Variant Server 0.00015.
gnomAD v4.1: 103 of 1,613,880 alleles (0.0064%); highest among the groups gnomAD compares: Non-Finnish European, 0.0083%; no homozygotes.

Submissions (2):

Labcorp Genetics (formerly Invitae), Labcorp
Classification: Uncertain significance. Last evaluated: 2025-01-01. Review status: criteria provided, single submitter. Criteria: Invitae Variant Classification Sherloc (09022015). Collection method: clinical testing. Allele origin: germline.
Comment: This sequence change replaces methionine, which is neutral and non-polar, with isoleucine, which is neutral and non-polar, at codon 67 of the COMP protein (p.Met67Ile). This variant is present in population databases (rs199553971, gnomAD 0.007%). This variant has not been reported in the literature in individuals affected with COMP-related conditions. ClinVar contains an entry for this variant (Variation ID: 2176509). Invitae Evidence Modeling of protein sequence and biophysical properties (such as structural, functional, and spatial information, amino acid conservation, physicochemical variation, residue mobility, and thermodynamic stability) indicates that this missense variant is not expected to disrupt COMP protein function with a negative predictive value of 80%. Algorithms developed to predict the effect of sequence changes on RNA splicing suggest that this variant may disrupt the consensus splice site. In summary, the available evidence is currently insufficient to determine the role of this variant in disease. Therefore, it has been classified as a Variant of Uncertain Significance.

Ambry Genetics
Classification: Uncertain significance for Inborn genetic diseases. Last evaluated: 2024-11-07. Review status: criteria provided, single submitter. Criteria: Ambry Variant Classification Scheme 2023. Collection method: clinical testing. Allele origin: germline.

NM_000095.3(COMP):c.201G>A (p.Met67Ile)

Gene: COMP (cartilage oligomeric matrix protein; minus strand). Cytogenetic location: 19p13.11.
Variant type: single nucleotide variant.
Coding change: c.201G>A on transcript NM_000095.3 (MANE Select); coding-DNA position 201, G replaced by A.
Protein change: p.Met67Ile; replaces methionine 67 with isoleucine.
Molecular consequence: missense variant.
Genome position (GRCh38, 1-based): chr19:18,790,578, C>T on the plus strand (G>A on the coding strand, the complement: COMP is on the minus strand). VCF-style: chr19-18790578-C-T. GRCh37 (hg19) VCF-style: chr19-18901387-C-T.
Other names: c.201G>A (NM_000095.2); short protein forms M67I.
Identifiers: ClinVar variation 2176509 (VCV002176509.5), dbSNP rs199553971, ClinGen allele CA9316803.